The following is an entry in ClinVar:

NM_000543.5(SMPD1):c.272G>A (p.Cys91Tyr)

Gene: SMPD1 (sphingomyelin phosphodiesterase 1; plus strand). Cytogenetic location: 11p15.4.
Variant type: single nucleotide variant.
Coding change: c.272G>A on transcript NM_000543.5 (MANE Select); coding-DNA position 272, G replaced by A.
Protein change: p.Cys91Tyr; replaces cysteine 91 with tyrosine.
Molecular consequence: missense variant. On other transcripts: 5 prime UTR variant (1), non-coding transcript variant (2).
Genome position (GRCh38, 1-based): chr11:6,390,870, G>A. VCF-style: chr11-6390870-G-A. GRCh37 (hg19) VCF-style: chr11-6412100-G-A.
Other names: c.272G>A, p.Cys91Tyr (NM_001007593.3, NM_001318087.2, NM_001365135.2); c.-690G>A (NM_001318088.2); short protein forms C91Y.
Identifiers: ClinVar variation 3754295 (VCV003754295.2).

ClinVar aggregate classification (germline): Likely pathogenic (1 of 4 stars; one submission).

Conditions:
Niemann-Pick disease, type B. Also called: Chronic Visceral ASMD (Niemann-Pick Disease Type B; NPD-B). Identifiers: Orphanet 77293, MedGen C0268243, MONDO:0011871, OMIM 607616. Disease mechanism: loss of function.
Niemann-Pick disease, type A. Also called: Infantile Neurovisceral ASMD (Niemann-Pick Disease Type A; NPD-A); SPHINGOMYELIN LIPIDOSIS; SPHINGOMYELINASE DEFICIENCY. Identifiers: Orphanet 77292, MedGen C0268242, MONDO:0009756, OMIM 257200. Disease mechanism: loss of function.

Submission:

Labcorp Genetics (formerly Invitae), Labcorp
Classification: Likely pathogenic for Niemann-Pick disease, type B; Niemann-Pick disease, type A. Last evaluated: 2024-04-25. Review status: criteria provided, single submitter. Criteria: Invitae Variant Classification Sherloc (09022015). Collection method: clinical testing. Allele origin: germline.
Comment: This sequence change replaces cysteine, which is neutral and slightly polar, with tyrosine, which is neutral and polar, at codon 91 of the SMPD1 protein (p.Cys91Tyr). This variant is not present in population databases (gnomAD no frequency). This missense change has been observed in individual(s) with Niemann-Pick disease (Invitae). Advanced modeling of protein sequence and biophysical properties (such as structural, functional, and spatial information, amino acid conservation, physicochemical variation, residue mobility, and thermodynamic stability) performed at Invitae indicates that this missense variant is expected to disrupt SMPD1 protein function with a positive predictive value of 95%. In summary, the currently available evidence indicates that the variant is pathogenic, but additional data are needed to prove that conclusively. Therefore, this variant has been classified as Likely Pathogenic.